The following is an entry in ClinVar:

ClinVar aggregate classification (germline): Likely benign (1 of 4 stars; one submission).

Submission:

Women's Health and Genetics/Laboratory Corporation of America, LabCorp
Classification: Likely benign. Last evaluated: 2025-12-08. Review status: criteria provided, single submitter. Criteria: LabCorp Variant Classification Summary - May 2015. Collection method: clinical testing. Allele origin: germline.
Comment: Variant summary: FGA c.922C>A results in a synonymous change. Consensus agreement among computation tools predict no significant impact on normal splicing. However, these predictions have yet to be confirmed by functional studies. The variant allele was found at a frequency of 1.2e-05 in 251162 control chromosomes. The available data on variant occurrences in the general population are insufficient to allow any conclusion about variant significance. To our knowledge, no occurrence of c.922C>A in individuals affected with FGA-related conditions and no experimental evidence demonstrating its impact on protein function have been reported. No submitters have cited clinical-significance assessments for this variant to ClinVar. Based on the evidence outlined above, the variant was classified as likely benign.

NM_021871.4(FGA):c.922C>A (p.Arg308=)

Gene: FGA (fibrinogen alpha chain; minus strand). Cytogenetic location: 4q31.3.
Variant type: single nucleotide variant.
Coding change: c.922C>A on transcript NM_021871.4 (MANE Select); coding-DNA position 922, C replaced by A.
Protein change: p.Arg308=; no amino-acid change (arginine 308 retained).
Molecular consequence: synonymous variant.
Genome position (GRCh38, 1-based): chr4:154,586,507, G>T on the plus strand (C>A on the coding strand, the complement: FGA is on the minus strand). VCF-style: chr4-154586507-G-T. GRCh37 (hg19) VCF-style: chr4-155507659-G-T.
Other names: c.922C>A, p.Arg308= (NM_000508.5).
Identifiers: ClinVar variation 4688502 (VCV004688502.1).